The following is an entry in ClinVar:

ClinVar aggregate classification (germline): Likely benign. Review status: criteria provided, multiple submitters, no conflicts (2 of 4 stars). 2 submissions from 2 submitters: Likely benign (2). Last evaluated 2025-02-20.

Conditions:
Breast-ovarian cancer, familial, susceptibility to, 4. Identifiers: Orphanet 145, MedGen C3280345, MONDO:0013669, OMIM 614291.

gnomAD v4.1: 2 of 1,598,220 alleles (0.00013%); highest among the groups gnomAD compares: South Asian, 0.0022%; no homozygotes.

Submissions (2):

Myriad Genetics, Inc.
Classification: Likely benign for Breast-ovarian cancer, familial, susceptibility to, 4. Last evaluated: 2025-02-20. Review status: criteria provided, single submitter. Criteria: Myriad Autosomal Dominant, Autosomal Recessive and X-Linked Classification Criteria (2023). Collection method: clinical testing. Allele origin: unknown.
Comment: This variant is considered likely benign. This variant is intronic and is not expected to impact mRNA splicing.

Labcorp Genetics (formerly Invitae), Labcorp
Classification: Likely benign for Breast-ovarian cancer, familial, susceptibility to, 4. Last evaluated: 2024-12-28. Review status: criteria provided, single submitter. Criteria: Invitae Variant Classification Sherloc (09022015). Collection method: clinical testing. Allele origin: germline.

NM_002878.4(RAD51D):c.145-19G>A

Genes: RAD51L3-RFFL (RAD51L3-RFFL readthrough; minus strand), RAD51D (RAD51 paralog D; minus strand). Cytogenetic location: 17q12.
Variant type: single nucleotide variant.
Coding change: c.145-19G>A on transcript NM_002878.4 (MANE Select); 19 bases into the intron before coding-DNA position 145, G replaced by A.
Molecular consequence: intron variant.
Genome position (GRCh38, 1-based): chr17:35,118,638, C>T on the plus strand (G>A on the coding strand, the complement: RAD51D is on the minus strand). VCF-style: chr17-35118638-C-T. GRCh37 (hg19) VCF-style: chr17-33445657-C-T.
Other names: c.144+473G>A (NM_133629.3, NM_001142571.2).
Identifiers: ClinVar variation 3626744 (VCV003626744.3).
Genomic context (GRCh38, chr17:35,118,638, plus strand): 5'-CGAGAACTGAGCCAGCAGCACCCGCCTCAGGGCAACCAGGGCCTGCCAAAGGGCCCCAGA[C>T]TGCTCAGCAACAAATTGCCCGTAGAAGCTGGCATCCCAGGGTGTCATTCACCCTACTTCT-3'